The following is an entry in ClinVar:

NC_000010.10:g.(?_88676881)_(88683476_?)dup

Gene: BMPR1A (bone morphogenetic protein receptor type 1A; plus strand). Cytogenetic location: 10q23.2.
Variant type: Duplication.
Identifiers: ClinVar variation 3244826 (VCV003244826.1).

ClinVar aggregate classification (germline): Uncertain significance (1 of 4 stars; one submission).

Conditions:
Juvenile polyposis syndrome (JPS). Identifiers: Orphanet 2929, MedGen C0345893, MONDO:0017380, OMIM 174900.

Submission:

Labcorp Genetics (formerly Invitae), Labcorp
Classification: Uncertain significance for Juvenile polyposis syndrome. Last evaluated: 2023-09-01. Review status: criteria provided, single submitter. Criteria: Invitae Variant Classification Sherloc (09022015). Collection method: clinical testing. Allele origin: unknown.
Comment: This variant results in a copy number gain of the genomic region encompassing exon(s) 9-13 of the BMPR1A gene. This region includes the termination codon of the gene. This copy number gain extends beyond the assayed region for this gene and therefore may encompass additional genes. As the precise location of this event is unknown, it may be in tandem or it may be located elsewhere in the genome. This variant has not been reported in the literature in individuals affected with BMPR1A-related conditions. Experimental studies and prediction algorithms are not available or were not evaluated, and the functional significance of this variant is currently unknown. In summary, the available evidence is currently insufficient to determine the role of this variant in disease. Therefore, it has been classified as a Variant of Uncertain Significance.